The following is an entry in ClinVar:

NM_138711.6(PPARG):c.353G>A (p.Gly118Glu)

Gene: PPARG (peroxisome proliferator activated receptor gamma; plus strand). Cytogenetic location: 3p25.2.
Variant type: single nucleotide variant.
Coding change: c.353G>A on transcript NM_138711.6 (MANE Select); coding-DNA position 353, G replaced by A.
Protein change: p.Gly118Glu; replaces glycine 118 with glutamic acid.
Molecular consequence: missense variant. On other transcripts: 5 prime UTR variant (1).
Genome position (GRCh38, 1-based): chr3:12,381,454, G>A. VCF-style: chr3-12381454-G-A. GRCh37 (hg19) VCF-style: chr3-12422953-G-A.
Other names: c.353G>A, p.Gly118Glu (NM_001330615.4, NM_001354666.3, NM_001354667.3 and 6 more transcripts); c.443G>A, p.Gly148Glu (NM_001354668.2, NM_001374265.1, NM_015869.5); c.-75G>A (NM_001354669.2); c.359G>A, p.Gly120Glu (NM_001354670.2, NM_001374266.1); short protein forms G118E, G120E, G148E.
Identifiers: ClinVar variation 1098721 (VCV001098721.2), dbSNP rs2125177235, ClinGen allele CA351618137.

ClinVar aggregate classification (germline): Likely pathogenic (1 of 4 stars; one submission).

Conditions:
PPARG-related familial partial lipodystrophy. Also called: LIPODYSTROPHY, FAMILIAL PARTIAL, ASSOCIATED WITH PPARG MUTATIONS. Identifiers: Orphanet 79083, MedGen C1720861, MONDO:0011448, OMIM 604367.

Submission:

Genetics Department, Polish Mother's Memorial Hospital Research Institute
Classification: Likely pathogenic for PPARG-related familial partial lipodystrophy. Last evaluated: 2021-05-14. Review status: criteria provided, single submitter. Criteria: ACMG Guidelines, 2015. Collection method: research. Allele origin: maternal. Affected: yes. Observed: 3 variant alleles.